The following is an entry in ClinVar:

ClinVar aggregate classification (germline): Uncertain significance (1 of 4 stars; one submission).

gnomAD v4.1: 5 of 1,614,154 alleles (0.00031%); highest among the groups gnomAD compares: South Asian, 0.0055%; no homozygotes.

Submission:

Labcorp Genetics (formerly Invitae), Labcorp
Classification: Uncertain significance. Last evaluated: 2022-05-03. Review status: criteria provided, single submitter. Criteria: Invitae Variant Classification Sherloc (09022015). Collection method: clinical testing. Allele origin: germline.
Comment: In summary, the available evidence is currently insufficient to determine the role of this variant in disease. Therefore, it has been classified as a Variant of Uncertain Significance. Algorithms developed to predict the effect of sequence changes on RNA splicing suggest that this variant may disrupt the consensus splice site. Algorithms developed to predict the effect of missense changes on protein structure and function are either unavailable or do not agree on the potential impact of this missense change (SIFT: "Tolerated"; PolyPhen-2: "Possibly Damaging"; Align-GVGD: "Class C0"). This sequence change replaces histidine, which is basic and polar, with glutamine, which is neutral and polar, at codon 74 of the NCSTN protein (p.His74Gln). This variant has not been reported in the literature in individuals affected with NCSTN-related conditions. This variant is present in population databases (rs11547486, gnomAD 0.01%).

NM_015331.3(NCSTN):c.222C>G (p.His74Gln)

Gene: NCSTN (nicastrin; plus strand). Cytogenetic location: 1q23.2.
Variant type: single nucleotide variant.
Coding change: c.222C>G on transcript NM_015331.3 (MANE Select); coding-DNA position 222, C replaced by G.
Protein change: p.His74Gln; replaces histidine 74 with glutamine.
Molecular consequence: missense variant.
Genome position (GRCh38, 1-based): chr1:160,349,030, C>G. VCF-style: chr1-160349030-C-G. GRCh37 (hg19) VCF-style: chr1-160318820-C-G.
Other names: c.162C>G, p.His54Gln (NM_001290184.2); c.222C>G, p.His74Gln (NM_001290186.2, NM_001349729.2); short protein forms H54Q, H74Q.
Identifiers: ClinVar variation 2067989 (VCV002067989.4), dbSNP rs11547486, ClinGen allele CA1198640.